The following is an entry in ClinVar:

ClinVar aggregate classification (germline): Conflicting classifications of pathogenicity. Review status: criteria provided, conflicting classifications (1 of 4 stars). 2 submissions from 2 submitters: Uncertain significance (1); Likely benign (1). Last evaluated 2024-02-27.

Conditions:
Inborn genetic diseases. Identifiers: MedGen C0950123, MeSH D030342.

Allele frequency attached by ClinVar (database versions not stated): gnomAD exomes 0.00001; gnomAD 0.00002; TOPMed 0.00002.
gnomAD v4.1: 18 of 1,205,065 alleles (0.0015%); highest among the groups gnomAD compares: Admixed American, 0.0066%; no homozygotes.

Submissions (2):

Ambry Genetics
Classification: Uncertain significance for Inborn genetic diseases. Last evaluated: 2024-02-27. Review status: criteria provided, single submitter. Criteria: Ambry Variant Classification Scheme 2023. Collection method: clinical testing. Allele origin: germline.

CeGaT Center for Human Genetics Tuebingen
Classification: Likely benign. Last evaluated: 2023-11-01. Review status: criteria provided, single submitter. Criteria: CeGaT Center For Human Genetics Tuebingen Variant Classification Criteria Version 2. Collection method: clinical testing. Allele origin: germline. Affected: yes. Observed: 1 variant allele.
Comment: PHEX: BP4, BS2

NM_000444.6(PHEX):c.244C>T (p.Arg82Trp)

Gene: PHEX (phosphate regulating endopeptidase X-linked; plus strand). Cytogenetic location: Xp22.11.
Variant type: single nucleotide variant.
Coding change: c.244C>T on transcript NM_000444.6 (MANE Select); coding-DNA position 244, C replaced by T.
Protein change: p.Arg82Trp; replaces arginine 82 with tryptophan.
Molecular consequence: missense variant.
Genome position (GRCh38, 1-based): chrX:22,047,106, C>T. VCF-style: chrX-22047106-C-T. GRCh37 (hg19) VCF-style: chrX-22065224-C-T.
Other names: c.244C>T, p.Arg82Trp (NM_001282754.2); c.244C>T (NM_000444.4); short protein forms R82W.
Identifiers: ClinVar variation 2673219 (VCV002673219.24), dbSNP rs1365010493, ClinGen allele CA412567614.
Genomic context (GRCh38, chrX:22,047,106, plus strand): 5'-ATAGCTGCTGCCATCTTAAGTAAAGTAAATCTGTCTGTGGATCCTTGTGATAATTTCTTC[C>T]GGTTCGCTTGTGATGGCTGGATAAGCAATAATCCAATTCCCGAAGATATGCCAAGCTATG-3'
Protein context (NP_000435.3, residues 72-92): LSVDPCDNFF[Arg82Trp]FACDGWISNN